The following is an entry in ClinVar:

NM_006516.4(SLC2A1):c.1006del (p.Leu336fs)

Gene: SLC2A1 (solute carrier family 2 member 1; minus strand). Cytogenetic location: 1p34.2.
Variant type: Deletion.
Coding change: c.1006del on transcript NM_006516.4 (MANE Select); coding-DNA position 1006, one base deleted (C; older notation c.1006delC).
Protein change: p.Leu336fs; shifts the reading frame from leucine 336.
Molecular consequence: frameshift variant.
Genome position (GRCh38, 1-based): chr1:42,929,000, G deleted on the plus strand (C on the coding strand, the reverse complement: SLC2A1 is on the minus strand); the first of 3 consecutive G bases (chr1:42,929,000-42,929,002); deleting any one gives the same sequence. VCF-style (leftmost placement, unchanged base first): chr1-42928999-AG-A. GRCh37 (hg19) VCF-style: chr1-43394670-AG-A.
Other names: short protein forms L336fs.
Identifiers: ClinVar variation 207224 (VCV000207224.2), dbSNP rs796053271, ClinGen allele CA318487.

ClinVar aggregate classification (germline): Pathogenic/Likely pathogenic. Review status: criteria provided, multiple submitters, no conflicts (2 of 4 stars). 2 submissions from 2 submitters: Pathogenic (1); Likely pathogenic (1). Last evaluated 2019-08-22.

Conditions:
SLC2A1-related disorder. Also called: SLC2A1-related disorders; SLC2A1-related condition.

Submissions (2):

Blueprint Genetics
Classification: Likely pathogenic for SLC2A1-related disorders. Last evaluated: 2019-08-22. Review status: criteria provided, single submitter. Criteria: ACMG Guidelines, 2015. Collection method: clinical testing. Allele origin: germline. Affected: yes. Observed: 1 variant allele.

GeneDx
Classification: Pathogenic. Last evaluated: 2014-05-17. Review status: criteria provided, single submitter. Criteria: GeneDx Variant Classification (06012015). Collection method: clinical testing. Allele origin: germline. Affected: yes.
Comment: c.1006delC: p.Leu336CysfsX4 (L336CfsX4) in exon 8 of the SLC2A1 gene (NM_006516.2) The normal sequence with the base deleted in braces is GACC{C}TGCA.The c.1006delC mutation in the SLC2A1 gene causes a frameshift starting with codon Leucine 336, changes this amino acid to a Cysteine residue, and creates a premature Stop codon at position 4 of the new reading frame, denoted p.Leu336CysfsX4. This mutation is predicted to cause loss of normal protein function either through protein truncation or nonsense-mediated mRNA decay. This mutation has not been previously reported to our knowledge. The variant is found in INFANT-EPI panel(s).